The following is an entry in ClinVar:

ClinVar aggregate classification (germline): Pathogenic (1 of 4 stars; one submission).

Conditions:
Progressive sclerosing poliodystrophy (MTDPS4A). Also called: ALPERS PROGRESSIVE INFANTILE POLIODYSTROPHY; NEURONAL DEGENERATION OF CHILDHOOD WITH LIVER DISEASE, PROGRESSIVE; Alpers Syndrome; ALPERS DIFFUSE DEGENERATION OF CEREBRAL GRAY MATTER WITH HEPATIC CIRRHOSIS; Alpers-Huttenlocher Syndrome; Mitochondrial DNA depletion syndrome 4A (Alpers type). Identifiers: Orphanet 726, MedGen C0205710, MONDO:0008758, OMIM 203700.

Submission:

Labcorp Genetics (formerly Invitae), Labcorp
Classification: Pathogenic for Progressive sclerosing poliodystrophy. Last evaluated: 2022-09-09. Review status: criteria provided, single submitter. Criteria: Invitae Variant Classification Sherloc (09022015). Collection method: clinical testing. Allele origin: germline.
Comment: This variant is not present in population databases (gnomAD no frequency). For these reasons, this variant has been classified as Pathogenic. Algorithms developed to predict the effect of sequence changes on RNA splicing suggest that this variant may create or strengthen a splice site. ClinVar contains an entry for this variant (Variation ID: 1449732). This variant has not been reported in the literature in individuals affected with POLG-related conditions. This sequence change creates a premature translational stop signal (p.Trp1003Glyfs*10) in the POLG gene. It is expected to result in an absent or disrupted protein product. Loss-of-function variants in POLG are known to be pathogenic (PMID: 18546365).

Literature cited by the submitters: PubMed 18546365.

NM_002693.3(POLG):c.3003_3013del (p.Trp1003fs)

Gene: POLG (DNA polymerase gamma, catalytic subunit; minus strand). Cytogenetic location: 15q26.1.
Variant type: Deletion.
Coding change: c.3003_3013del on transcript NM_002693.3 (MANE Select); coding-DNA positions 3003 to 3013, 11 bases deleted (CGAGTGGCTGG).
Protein change: p.Trp1003fs; shifts the reading frame from tryptophan 1003.
Molecular consequence: frameshift variant.
Genome position (GRCh38, 1-based): chr15:89,319,319-89,319,329, CCAGCCACTCG deleted on the plus strand (CGAGTGGCTGG on the coding strand, the reverse complement: POLG is on the minus strand); deleting any 11 consecutive bases within chr15:89,319,319-89,319,331 gives the same sequence; the c. name uses the placement nearest the transcript's 3' end. VCF-style (leftmost placement, unchanged base first): chr15-89319318-ACCAGCCACTCG-A. GRCh37 (hg19) VCF-style: chr15-89862549-ACCAGCCACTCG-A.
Other names: c.3003_3013del, p.Trp1003fs (NM_001126131.2); short protein forms W1003fs.
Identifiers: ClinVar variation 1449732 (VCV001449732.6), dbSNP rs2055359441, ClinGen allele CA972593578.
Genomic context (GRCh38, chr15:89,319,318, plus strand): 5'-AGATCCTGCAGGGAAATCCAGCCACCCTCAGTCCTGTCCACTGGGAGGTTCAACTCCCTC[ACCAGCCACTCG>A]CCCTCATCCGACAGCCGATACCTGGGGGCAGTGTTATCACCATCATTCCACGGGAGTGCT-3'